The following is an entry in ClinVar:

ClinVar aggregate classification (germline): Uncertain significance. Review status: criteria provided, multiple submitters, no conflicts (2 of 4 stars). 2 submissions from 2 submitters: Uncertain significance (2). Last evaluated 2025-12-11.

Conditions:
Hereditary cancer-predisposing syndrome. Also called: Tumor predisposition; Hereditary Cancer Syndrome; Neoplastic Syndromes, Hereditary; Hereditary neoplastic syndrome. Identifiers: Orphanet 140162, MedGen C0027672, MeSH D009386, MONDO:0015356.
Bloom syndrome (BLM). Also called: Bloom-Torre-Machacek syndrome. Identifiers: Orphanet 125, MedGen C0005859, MONDO:0008876, OMIM 210900.

Allele frequency attached by ClinVar (database versions not stated): ExAC 0.00001.

Submissions (2):

Ambry Genetics
Classification: Uncertain significance for Hereditary cancer-predisposing syndrome. Last evaluated: 2025-12-11. Review status: criteria provided, single submitter. Criteria: Ambry Variant Classification Scheme 2023. Collection method: clinical testing. Allele origin: germline.
Comment: The p.Y784F variant (also known as c.2351A>T), located in coding exon 10 of the BLM gene, results from an A to T substitution at nucleotide position 2351. The tyrosine at codon 784 is replaced by phenylalanine, an amino acid with highly similar properties. This amino acid position is conserved. In addition, this alteration is predicted to be tolerated by in silico analysis. Based on the available evidence, the clinical significance of this variant remains unclear.

Labcorp Genetics (formerly Invitae), Labcorp
Classification: Uncertain significance for Bloom syndrome. Last evaluated: 2021-12-28. Review status: criteria provided, single submitter. Criteria: Invitae Variant Classification Sherloc (09022015). Collection method: clinical testing. Allele origin: germline.
Comment: This sequence change replaces tyrosine, which is neutral and polar, with phenylalanine, which is neutral and non-polar, at codon 784 of the BLM protein (p.Tyr784Phe). This variant is present in population databases (rs753635754, gnomAD 0.0009%). This variant has not been reported in the literature in individuals affected with BLM-related conditions. Algorithms developed to predict the effect of missense changes on protein structure and function are either unavailable or do not agree on the potential impact of this missense change (SIFT: "Tolerated"; PolyPhen-2: "Probably Damaging"; Align-GVGD: "Class C0"). In summary, the available evidence is currently insufficient to determine the role of this variant in disease. Therefore, it has been classified as a Variant of Uncertain Significance.

NM_000057.4(BLM):c.2351A>T (p.Tyr784Phe)

Gene: BLM (BLM RecQ like helicase; plus strand). Cytogenetic location: 15q26.1.
Variant type: single nucleotide variant.
Coding change: c.2351A>T on transcript NM_000057.4 (MANE Select); coding-DNA position 2351, A replaced by T.
Protein change: p.Tyr784Phe; replaces tyrosine 784 with phenylalanine.
Molecular consequence: missense variant.
Genome position (GRCh38, 1-based): chr15:90,769,176, A>T. VCF-style: chr15-90769176-A-T. GRCh37 (hg19) VCF-style: chr15-91312406-A-T.
Other names: c.2351A>T, p.Tyr784Phe (NM_001287246.2, NM_001287247.2); c.1226A>T, p.Tyr409Phe (NM_001287248.2); short protein forms Y409F, Y784F.
Identifiers: ClinVar variation 2059372 (VCV002059372.2), dbSNP rs753635754, ClinGen allele CA7738736.